The following is an entry in ClinVar:

ClinVar aggregate classification (germline): Pathogenic (1 of 4 stars; one submission).

Conditions:
Alstrom syndrome (ALMS). Identifiers: Orphanet 64, MedGen C0268425, MONDO:0008763, OMIM 203800.

Submission:

Labcorp Genetics (formerly Invitae), Labcorp
Classification: Pathogenic for Alstrom syndrome. Last evaluated: 2021-04-10. Review status: criteria provided, single submitter. Criteria: Invitae Variant Classification Sherloc (09022015). Collection method: clinical testing. Allele origin: germline.
Comment: For these reasons, this variant has been classified as Pathogenic. This variant has not been reported in the literature in individuals with ALMS1-related conditions. This variant is not present in population databases (ExAC no frequency). This sequence change creates a premature translational stop signal (p.Gln2297*) in the ALMS1 gene. It is expected to result in an absent or disrupted protein product. Loss-of-function variants in ALMS1 are known to be pathogenic (PMID: 17594715).

Literature cited by the submitters: PubMed 17594715.

NM_001378454.1(ALMS1):c.6886C>T (p.Gln2296Ter)

Gene: ALMS1 (ALMS1 centrosome and basal body associated protein; plus strand). Cytogenetic location: 2p13.1.
Variant type: single nucleotide variant.
Coding change: c.6886C>T on transcript NM_001378454.1 (MANE Select); coding-DNA position 6886, C replaced by T.
Protein change: p.Gln2296Ter; replaces glutamine 2296 with a stop codon.
Molecular consequence: nonsense.
Genome position (GRCh38, 1-based): chr2:73,453,413, C>T. VCF-style: chr2-73453413-C-T. GRCh37 (hg19) VCF-style: chr2-73680540-C-T.
Other names: c.6889C>T, p.Gln2297Ter (NM_015120.4); short protein forms Q2297*, Q2296*.
Identifiers: ClinVar variation 1452508 (VCV001452508.6), dbSNP rs747355678, ClinGen allele CA347289912.
Genomic context (GRCh38, chr2:73,453,413, plus strand): 5'-CGATGCAATTTTCCTGCTCCCCTTGCCCGTTTCAGAGATATTAGTGATATTTCATTTATA[C>T]AATCTAAGAAGGTGGTTTGCTTCAAAGAACCCTCTTCCACGGGTGTATCTAATGGTGATT-3'